The following is an entry in ClinVar:

NM_017617.5(NOTCH1):c.6254C>G (p.Ala2085Gly)

Gene: NOTCH1 (notch receptor 1; minus strand). Cytogenetic location: 9q34.3.
Variant type: single nucleotide variant.
Coding change: c.6254C>G on transcript NM_017617.5 (MANE Select); coding-DNA position 6254, C replaced by G.
Protein change: p.Ala2085Gly; replaces alanine 2085 with glycine.
Molecular consequence: missense variant.
Genome position (GRCh38, 1-based): chr9:136,497,485, G>C on the plus strand (C>G on the coding strand, the complement: NOTCH1 is on the minus strand). VCF-style: chr9-136497485-G-C. GRCh37 (hg19) VCF-style: chr9-139391937-G-C.
Other names: short protein forms A2085G.
Identifiers: ClinVar variation 854783 (VCV000854783.9), dbSNP rs1215496202, ClinGen allele CA375632133.

ClinVar aggregate classification (germline): Uncertain significance (1 of 4 stars; one submission).

Conditions:
Adams-Oliver syndrome 5 (AOS5). Identifiers: Orphanet 974, MedGen C4014970, MONDO:0014459, OMIM 616028.

Submission:

Labcorp Genetics (formerly Invitae), Labcorp
Classification: Uncertain significance for Adams-Oliver syndrome 5. Last evaluated: 2019-01-26. Review status: criteria provided, single submitter. Criteria: Invitae Variant Classification Sherloc (09022015). Collection method: clinical testing. Allele origin: germline.
Comment: This sequence change replaces alanine with glycine at codon 2085 of the NOTCH1 protein (p.Ala2085Gly). The alanine residue is highly conserved and there is a small physicochemical difference between alanine and glycine. In summary, the available evidence is currently insufficient to determine the role of this variant in disease. Therefore, it has been classified as a Variant of Uncertain Significance. Algorithms developed to predict the effect of missense changes on protein structure and function are either unavailable or do not agree on the potential impact of this missense change (SIFT: "Tolerated"; PolyPhen-2: "Possibly Damaging"; Align-GVGD: "Class C0"). This variant has not been reported in the literature in individuals with NOTCH1-related conditions. This variant is not present in population databases (ExAC no frequency).